The following is an entry in ClinVar:

ClinVar aggregate classification (germline): Likely pathogenic (1 of 4 stars; one submission).

Conditions:
Coffin-Siris syndrome 1 (CSS1). Also called: ARID1B-Related Coffin-Siris Syndrome; Mental retardation, autosomal dominant 12. Identifiers: Orphanet 1465, MedGen C3281201, MONDO:0007617, OMIM 135900. Disease mechanism: gain of function.

Submission:

Wales Gene Park, Division Of Cancer and Genetics, Cardiff University
Classification: Likely pathogenic for Coffin-Siris syndrome 1. Last evaluated: 2026-04-28. Review status: criteria provided, single submitter. Criteria: ACGS Best Practice Guidelines for Variant Classification in Rare Disease 2024. Collection method: research. Allele origin: de novo. Inheritance: Autosomal dominant inheritance. Affected: yes. Study: 100,000 Genomes Project (Wales).
Comment: De novo ARID1B missense variant detected by trio genome sequencing. Located at highly conserved residue in ARID/BRIGHT DNA binding domain. Not in gnomAD (v4.1.1). REVEL score 0.78. Phenotype consistent with gene but not highly specific and high genetic heterogeneity. PP4 applied as patient had episignature consistent with ARID1B disorder. Evidence codes: PS2_supporting, PM2, PP3, PP4_moderate.

NM_001374828.1(ARID1B):c.3791T>G (p.Leu1264Arg)

Gene: ARID1B (AT-rich interaction domain 1B; plus strand). Cytogenetic location: 6q25.3.
Variant type: single nucleotide variant.
Coding change: c.3791T>G on transcript NM_001374828.1 (MANE Select); coding-DNA position 3791, T replaced by G.
Protein change: p.Leu1264Arg; replaces leucine 1264 with arginine.
Molecular consequence: missense variant.
Genome position (GRCh38, 1-based): chr6:157,184,307, T>G. VCF-style: chr6-157184307-T-G. GRCh37 (hg19) VCF-style: chr6-157505441-T-G.
Other names: c.1292T>G, p.Leu431Arg (NM_001363725.2); c.3671T>G, p.Leu1224Arg (NM_001371656.1, NM_001374820.1); c.3920T>G, p.Leu1307Arg (NM_001438482.1); c.3833T>G, p.Leu1278Arg (NM_001438483.1); c.3701T>G, p.Leu1234Arg (NM_001438485.1); c.3674T>G, p.Leu1225Arg (NM_001438486.1); c.3611T>G, p.Leu1204Arg (NM_001438487.1); c.1133T>G, p.Leu378Arg (NM_001438488.1); and 1 more; short protein forms L1204R, L1211R, L1224R, L1225R, L1234R, L1264R, L1278R, L1307R.
Identifiers: ClinVar variation 4880194 (VCV004880194.1).